The following is an entry in ClinVar:

NM_000535.7(PMS2):c.738C>G (p.Pro246=)

Gene: PMS2 (PMS1 homolog 2, mismatch repair system component; minus strand). Cytogenetic location: 7p22.1.
Variant type: single nucleotide variant.
Coding change: c.738C>G on transcript NM_000535.7 (MANE Select); coding-DNA position 738, C replaced by G.
Protein change: p.Pro246=; no amino-acid change (proline 246 retained).
Molecular consequence: synonymous variant. On other transcripts: 5 prime UTR variant (2), non-coding transcript variant (1).
Genome position (GRCh38, 1-based): chr7:5,997,391, G>C on the plus strand (C>G on the coding strand, the complement: PMS2 is on the minus strand). VCF-style: chr7-5997391-G-C. GRCh37 (hg19) VCF-style: chr7-6037022-G-C.
Other names: c.333C>G, p.Pro111= (NM_001322003.2, NM_001322004.2, NM_001322005.2 and 2 more transcripts); c.738C>G, p.Pro246= (NM_001322006.2, NM_001322014.2); c.420C>G, p.Pro140= (NM_001322007.2, NM_001322008.2); c.-196C>G (NM_001322011.2, NM_001322012.2); c.165C>G, p.Pro55= (NM_001322013.2); c.429C>G, p.Pro143= (NM_001322015.2); c.738C>G (NM_000535.6).
Identifiers: ClinVar variation 219729 (VCV000219729.29), dbSNP rs202094399, ClinGen allele CA051453.

ClinVar aggregate classification (germline): Benign/Likely benign. Review status: criteria provided, multiple submitters, no conflicts (2 of 4 stars). 11 submissions from 11 submitters: Benign (1); Likely benign (8). 2 of the submissions do not count toward it. Last evaluated 2026-01-05.

Conditions:
PMS2-related disorder. Also called: PMS2-related condition.
Hereditary nonpolyposis colorectal neoplasms. Identifiers: MedGen C0009405, MeSH D003123.
Hereditary cancer-predisposing syndrome. Also called: Hereditary neoplastic syndrome; Tumor predisposition; Hereditary Cancer Syndrome; Neoplastic Syndromes, Hereditary. Identifiers: Orphanet 140162, MedGen C0027672, MeSH D009386, MONDO:0015356.
Lynch syndrome. Identifiers: Orphanet 144, MedGen C4552100, MONDO:0005835. Disease mechanism: loss of function.
Lynch syndrome 4 (LYNCH4). Also called: Colorectal cancer, hereditary nonpolyposis, type 4; Hereditary non-polyposis colorectal cancer, type 4. Identifiers: Orphanet 144, MedGen C1838333, MONDO:0013699, OMIM 614337. Disease mechanism: loss of function.

Allele frequency attached by ClinVar (database versions not stated): ExAC 0.00001; gnomAD exomes 0.00002; TOPMed 0.00002; gnomAD 0.00005; 1000 Genomes Project 0.00020; 1000 Genomes Project 30x 0.00031.
gnomAD v4.1: 42 of 1,605,402 alleles (0.0026%); highest among the groups gnomAD compares: Admixed American, 0.015%; no homozygotes.

Submissions (11):

Labcorp Genetics (formerly Invitae), Labcorp
Classification: Likely benign for Hereditary nonpolyposis colorectal neoplasms. Last evaluated: 2026-01-05. Review status: criteria provided, single submitter. Criteria: Invitae Variant Classification Sherloc (09022015). Collection method: clinical testing. Allele origin: germline.

Quest Diagnostics Nichols Institute San Juan Capistrano
Classification: Likely benign. Last evaluated: 2023-09-14. Review status: criteria provided, single submitter. Criteria: Quest Diagnostics criteria. Collection method: clinical testing. Allele origin: unknown.

Women's Health and Genetics/Laboratory Corporation of America, LabCorp
Classification: Likely benign. Last evaluated: 2023-07-31. Review status: criteria provided, single submitter. Criteria: LabCorp Variant Classification Summary - May 2015. Collection method: clinical testing. Allele origin: germline.
Comment: Variant summary: PMS2 c.738C>G alters a conserved nucleotide resulting in a synonymous change. 4/4 computational tools predict no significant impact on normal splicing. However, these predictions have yet to be confirmed by functional studies. The variant allele was found at a frequency of 1.6e-05 in 248942 control chromosomes (gnomAD). The available data on variant occurrences in the general population are insufficient to allow any conclusion about variant significance. To our knowledge, no occurrence of c.738C>G in individuals affected with Hereditary Nonpolyposis Colorectal Cancer and no experimental evidence demonstrating its impact on protein function have been reported. Seven submitters have cited clinical-significance assessments for this variant to ClinVar after 2014. All submitters classified the variant as benign/likely benign. Based on the evidence outlined above, the variant was classified as likely benign.

Myriad Genetics, Inc.
Classification: Benign for Lynch syndrome 4. Last evaluated: 2023-04-04. Review status: criteria provided, single submitter. Criteria: Myriad Autosomal Dominant, Autosomal Recessive and X-Linked Classification Criteria (2023). Collection method: clinical testing. Allele origin: unknown.
Comment: This variant is considered benign. This variant is a silent/synonymous amino acid change and it is not expected to impact splicing.

Sema4
Classification: Likely benign for Hereditary cancer-predisposing syndrome. Last evaluated: 2022-02-17. Review status: criteria provided, single submitter. Criteria: Sema4 Curation Guidelines. Collection method: curation. Allele origin: germline.

Department of Pathology and Laboratory Medicine, Sinai Health System
Classification: Likely benign for Lynch syndrome. Last evaluated: 2021-09-28. Review status: criteria provided, single submitter. Criteria: ACMG Guidelines, 2015. Collection method: clinical testing. Allele origin: germline. Affected: yes.

GeneDx
Classification: Likely benign. Last evaluated: 2021-05-17. Review status: criteria provided, single submitter. Criteria: GeneDx Variant Classification Process June 2021. Collection method: clinical testing. Allele origin: germline. Affected: yes.

Color Diagnostics, LLC DBA Color Health
Classification: Likely benign for Hereditary cancer-predisposing syndrome. Last evaluated: 2016-06-14. Review status: criteria provided, single submitter. Criteria: ACMG Guidelines, 2015. Collection method: clinical testing. Allele origin: germline.

Ambry Genetics
Classification: Likely benign for Hereditary cancer-predisposing syndrome. Last evaluated: 2015-03-19. Review status: criteria provided, single submitter. Criteria: Ambry Variant Classification Scheme 2023. Collection method: clinical testing. Allele origin: germline.

PreventionGenetics, part of Exact Sciences
Classification: Likely benign for PMS2-related condition. Last evaluated: 2019-12-20. Review status: no assertion criteria provided. Collection method: clinical testing. Allele origin: germline. Not counted in ClinVar's aggregate classification.
Comment: This variant is classified as likely benign based on ACMG/AMP sequence variant interpretation guidelines (Richards et al. 2015 PMID: 25741868, with internal and published modifications).

Counsyl
Classification: Likely benign for Lynch syndrome 4. Last evaluated: 2016-03-08. Review status: no assertion criteria provided. Collection method: clinical testing. Allele origin: unknown. Not counted in ClinVar's aggregate classification.